The following is an entry in ClinVar:

NM_007194.4(CHEK2):c.234del (p.Glu79fs)

Gene: CHEK2 (checkpoint kinase 2; minus strand). Cytogenetic location: 22q12.1.
Variant type: Deletion.
Coding change: c.234del on transcript NM_007194.4 (MANE Select); coding-DNA position 234, one base deleted (A; older notation c.234delA).
Protein change: p.Glu79fs; shifts the reading frame from glutamic acid 79.
Molecular consequence: frameshift variant.
Genome position (GRCh38, 1-based): chr22:28,734,488, T deleted on the plus strand (A on the coding strand, the reverse complement: CHEK2 is on the minus strand); the first of 2 consecutive T bases (chr22:28,734,488-28,734,489); deleting either gives the same sequence. VCF-style (leftmost placement, unchanged base first): chr22-28734487-CT-C. GRCh37 (hg19) VCF-style: chr22-29130475-CT-C.
Other names: c.233delA, p.Glu79Asnfs (NM_001005735.3, NM_001349956.3, NM_145862.3); c.-545delA (NM_001257387.3); short protein forms E79fs.
Identifiers: ClinVar variation 1789982 (VCV001789982.5), dbSNP rs2518129392, ClinGen allele CA2580099417.

ClinVar aggregate classification (germline): Pathogenic. Review status: criteria provided, multiple submitters, no conflicts (2 of 4 stars). 2 submissions from 2 submitters: Pathogenic (2). Last evaluated 2024-09-12.

Conditions:
Hereditary cancer-predisposing syndrome. Also called: Hereditary Cancer Syndrome; Hereditary neoplastic syndrome; Tumor predisposition; Neoplastic Syndromes, Hereditary. Identifiers: Orphanet 140162, MedGen C0027672, MeSH D009386, MONDO:0015356.
Familial cancer of breast. Also called: BREAST CANCER, FAMILIAL; Hereditary breast cancer; hereditary breast carcinoma. Identifiers: Orphanet 227535, MedGen C0346153, MONDO:0016419, OMIM 114480. Disease mechanism: loss of function.

Submissions (2):

Labcorp Genetics (formerly Invitae), Labcorp
Classification: Pathogenic for Familial cancer of breast. Last evaluated: 2024-09-12. Review status: criteria provided, single submitter. Criteria: Invitae Variant Classification Sherloc (09022015). Collection method: clinical testing. Allele origin: germline.
Comment: This sequence change creates a premature translational stop signal (p.Glu79Asnfs*31) in the CHEK2 gene. It is expected to result in an absent or disrupted protein product. Loss-of-function variants in CHEK2 are known to be pathogenic (PMID: 21876083, 24713400). This variant is not present in population databases (gnomAD no frequency). This variant has not been reported in the literature in individuals affected with CHEK2-related conditions. ClinVar contains an entry for this variant (Variation ID: 1789982). For these reasons, this variant has been classified as Pathogenic.

Ambry Genetics
Classification: Pathogenic for Hereditary cancer-predisposing syndrome. Last evaluated: 2022-10-31. Review status: criteria provided, single submitter. Criteria: Ambry Variant Classification Scheme 2023. Collection method: clinical testing. Allele origin: germline.
Comment: The c.234delA pathogenic mutation, located in coding exon 1 of the CHEK2 gene, results from a deletion of one nucleotide at nucleotide position 234, causing a translational frameshift with a predicted alternate stop codon (p.E79Nfs*31). This variant is considered to be rare based on population cohorts in the Genome Aggregation Database (gnomAD). This alteration is expected to result in loss of function by premature protein truncation or nonsense-mediated mRNA decay. As such, this alteration is interpreted as a disease-causing mutation.

Literature cited by the submitters: PubMed 21876083 (cited by Labcorp Genetics (formerly Invitae), Labcorp); PubMed 24713400 (cited by Labcorp Genetics (formerly Invitae), Labcorp).